The following is an entry in ClinVar:

ClinVar aggregate classification (germline): Uncertain significance. Review status: criteria provided, multiple submitters, no conflicts (2 of 4 stars). 2 submissions from 2 submitters: Uncertain significance (2). Last evaluated 2025-10-11.

Conditions:
Hypertrophic cardiomyopathy. Also called: HYPERTROPHIC MYOCARDIOPATHY. Identifiers: Orphanet 217569, MedGen C0007194, MeSH D002312, MONDO:0005045, HP:0001639.

Allele frequency attached by ClinVar (database versions not stated): ExAC 0.00007; gnomAD 0.00007; gnomAD exomes 0.00007 and 0.00015; TOPMed 0.00007; ESP Exome Variant Server 0.00008.
gnomAD v4.1: 219 of 1,607,740 alleles (0.014%); highest among the groups gnomAD compares: Non-Finnish European, 0.018%; no homozygotes.

Submissions (2):

Labcorp Genetics (formerly Invitae), Labcorp
Classification: Uncertain significance for Hypertrophic cardiomyopathy. Last evaluated: 2025-10-11. Review status: criteria provided, single submitter. Criteria: Invitae Variant Classification Sherloc (09022015). Collection method: clinical testing. Allele origin: germline.
Comment: This sequence change replaces valine, which is neutral and non-polar, with isoleucine, which is neutral and non-polar, at codon 1109 of the MYOM1 protein (p.Val1109Ile). This variant is present in population databases (rs377448983, gnomAD 0.01%). This variant has not been reported in the literature in individuals affected with MYOM1-related conditions. ClinVar contains an entry for this variant (Variation ID: 454447). Invitae Evidence Modeling of protein sequence and biophysical properties (such as structural, functional, and spatial information, amino acid conservation, physicochemical variation, residue mobility, and thermodynamic stability) indicates that this missense variant is not expected to disrupt MYOM1 protein function with a negative predictive value of 80%. In summary, the available evidence is currently insufficient to determine the role of this variant in disease. Therefore, it has been classified as a Variant of Uncertain Significance.

Ambry Genetics
Classification: Uncertain significance. Last evaluated: 2025-03-09. Review status: criteria provided, single submitter. Criteria: Ambry Variant Classification Scheme 2023. Collection method: clinical testing. Allele origin: germline.
Comment: The p.V1109I variant (also known as c.3325G>A), located in coding exon 21 of the MYOM1 gene, results from a G to A substitution at nucleotide position 3325. The valine at codon 1109 is replaced by isoleucine, an amino acid with highly similar properties. This amino acid position is conserved. In addition, this alteration is predicted to be tolerated by in silico analysis. Since supporting evidence is limited at this time, the clinical significance of this alteration remains unclear.

NM_003803.4(MYOM1):c.3325G>A (p.Val1109Ile)

Gene: MYOM1 (myomesin 1; minus strand). Cytogenetic location: 18p11.31.
Variant type: single nucleotide variant.
Coding change: c.3325G>A on transcript NM_003803.4 (MANE Select); coding-DNA position 3325, G replaced by A.
Protein change: p.Val1109Ile; replaces valine 1109 with isoleucine.
Molecular consequence: missense variant.
Genome position (GRCh38, 1-based): chr18:3,112,391, C>T on the plus strand (G>A on the coding strand, the complement: MYOM1 is on the minus strand). VCF-style: chr18-3112391-C-T. GRCh37 (hg19) VCF-style: chr18-3112389-C-T.
Other names: c.3037G>A, p.Val1013Ile (NM_019856.2); short protein forms V1109I, V1013I.
Identifiers: ClinVar variation 454447 (VCV000454447.14), dbSNP rs377448983, ClinGen allele CA8874337.
Genomic context (GRCh38, chr18:3,112,391, plus strand): 5'-GGTCAGATGGCTTCCCAACTCCCGCCTGGTTTATGGCTCGAACACGGAACACGTAGCTGA[C>T]GCCCTCCTTGAGGCCTCGAACCTGGTAGAAGCAGGTGTAGAAGCAATGGGTGTTTGATGA-3'
Protein context (NP_003794.3, residues 1099-1119): YLKVRGLKEG[Val1109Ile]SYVFRVRAIN